The following is an entry in ClinVar:

NM_007294.4(BRCA1):c.5407-12C>T

Gene: BRCA1 (BRCA1 DNA repair associated; minus strand). Cytogenetic location: 17q21.31.
Variant type: single nucleotide variant.
Coding change: c.5407-12C>T on transcript NM_007294.4 (MANE Select); 12 bases into the intron before coding-DNA position 5407, C replaced by T.
Molecular consequence: intron variant.
Genome position (GRCh38, 1-based): chr17:43,047,715, G>A on the plus strand (C>T on the coding strand, the complement: BRCA1 is on the minus strand). VCF-style: chr17-43047715-G-A. GRCh37 (hg19) VCF-style: chr17-41199732-G-A.
Other names: c.1972-12C>T (NM_001408434.1, NM_001408440.1, NM_001408433.1 and 10 more transcripts); c.5281-12C>T (NM_001407672.1, NM_001407678.1, NM_001407673.1 and 8 more transcripts); c.2092-12C>T (NM_001408398.1, NM_001408400.1, NM_001408392.1 and 7 more transcripts); c.2095-12C>T (NM_001407992.1, NM_001407981.1, NM_007298.4 and 10 more transcripts); c.5401-12C>T (NM_001407629.1, NM_001407636.1, NM_001407639.1 and 13 more transcripts); c.5404-12C>T (NM_001407612.1, NM_001407620.1, NM_001407623.1 and 14 more transcripts); c.1975-12C>T (NM_001408428.1, NM_001408429.1, NM_001408426.1 and 4 more transcripts); c.5284-12C>T (NM_001407666.1, NM_001407669.1, NM_001407665.1 and 3 more transcripts); and 83 more.
Identifiers: ClinVar variation 868068 (VCV000868068.8), dbSNP rs1432221089, ClinGen allele CA626076262.

ClinVar aggregate classification (germline): Benign/Likely benign. Review status: criteria provided, multiple submitters, no conflicts (2 of 4 stars). 3 submissions from 3 submitters: Benign (1); Likely benign (2). Last evaluated 2025-10-07.

Conditions:
Hereditary breast ovarian cancer syndrome. Also called: Hereditary breast and ovarian cancer; Hereditary breast and ovarian cancer syndrome (HBOC); Breast and ovarian cancer; Hereditary breast and/or ovarian cancer syndrome; BRCA1- and BRCA2-Associated Hereditary Breast and Ovarian Cancer; Hereditary breast and ovarian cancer syndrome. Identifiers: Orphanet 145, MedGen C0677776, MeSH D061325, MONDO:0003582. Disease mechanism: loss of function.
Breast-ovarian cancer, familial, susceptibility to, 1 (BROVCA1). Also called: BRCA1 Hereditary Breast and Ovarian Cancer; OVARIAN CANCER, SUSCEPTIBILITY TO. Identifiers: Orphanet 145, MedGen C2676676, MONDO:0011450, OMIM 604370. Disease mechanism: loss of function.

Allele frequency attached by ClinVar (database versions not stated): gnomAD 0.00001.
gnomAD v4.1: 3 of 1,613,860 alleles (0.00019%); highest among the groups gnomAD compares: Admixed American, 0.0017%; no homozygotes.

Submissions (4):

Labcorp Genetics (formerly Invitae), Labcorp
Classification: Likely benign for Hereditary breast ovarian cancer syndrome. Last evaluated: 2025-10-07. Review status: criteria provided, single submitter. Criteria: Invitae Variant Classification Sherloc (09022015). Collection method: clinical testing. Allele origin: germline.

Myriad Genetics, Inc.
Classification: Benign for Breast-ovarian cancer, familial, susceptibility to, 1. Last evaluated: 2025-06-04. Review status: criteria provided, single submitter. Criteria: Myriad Autosomal Dominant, Autosomal Recessive and X-Linked Classification Criteria (2023). Collection method: clinical testing. Allele origin: unknown.
Comment: This variant is considered benign. This variant is intronic and is not expected to impact mRNA splicing. This variant is strongly associated with less severe personal and family histories of cancer, typical for individuals without pathogenic variants in this gene [PMID: 25085752].

All of Us Research Program, National Institutes of Health
Classification: Likely benign for Breast-ovarian cancer, familial, susceptibility to, 1. Last evaluated: 2023-02-24. Review status: criteria provided, single submitter. Criteria: ACMG Guidelines, 2015. Collection method: clinical testing. Allele origin: germline. Inheritance: Autosomal dominant inheritance. Observed: 1 variant allele, 1 heterozygote.
Comment: This study involves interpretation of variants in research participants for the purpose of population health screening. Participant phenotype was not available at the time of variant classification. Additional details can be found in publication PMID: 35346344, PMCID: PMC8962531

Brotman Baty Institute, University of Washington
No classification provided (evidence only). Condition: Breast-ovarian cancer, familial 1. Review status: no classification provided. Collection method: in vitro. Allele origin: not applicable. Functional consequence: functionally_normal. Not counted in ClinVar's aggregate classification.
ClinVar note: "not provided" was previously submitted as the classification for the variant. However, the classification appeared to be based only on an observation of functional data so it was converted to no classification on 2025-07-30.

Literature cited by the submitters: PubMed 25085752 (cited by Myriad Genetics, Inc.).